The following is an entry in ClinVar:

ClinVar aggregate classification (germline): Uncertain significance (1 of 4 stars; one submission).

Submission:

Labcorp Genetics (formerly Invitae), Labcorp
Classification: Uncertain significance. Last evaluated: 2024-02-24. Review status: criteria provided, single submitter. Criteria: Invitae Variant Classification Sherloc (09022015). Collection method: clinical testing. Allele origin: germline.
Comment: This sequence change replaces glutamic acid, which is acidic and polar, with aspartic acid, which is acidic and polar, at codon 98 of the C8orf37 protein (p.Glu98Asp). This variant is not present in population databases (gnomAD no frequency). This variant has not been reported in the literature in individuals affected with C8orf37-related conditions. ClinVar contains an entry for this variant (Variation ID: 1042377). An algorithm developed to predict the effect of missense changes on protein structure and function (PolyPhen-2) suggests that this variant is likely to be tolerated. In summary, the available evidence is currently insufficient to determine the role of this variant in disease. Therefore, it has been classified as a Variant of Uncertain Significance.

NM_177965.4(CFAP418):c.294A>T (p.Glu98Asp)

Gene: CFAP418 (cilia and flagella associated protein 418; minus strand). Cytogenetic location: 8q22.1.
Variant type: single nucleotide variant.
Coding change: c.294A>T on transcript NM_177965.4 (MANE Select); coding-DNA position 294, A replaced by T.
Protein change: p.Glu98Asp; replaces glutamic acid 98 with aspartic acid.
Molecular consequence: missense variant.
Genome position (GRCh38, 1-based): chr8:95,260,482, T>A on the plus strand (A>T on the coding strand, the complement: CFAP418 is on the minus strand). VCF-style: chr8-95260482-T-A. GRCh37 (hg19) VCF-style: chr8-96272710-T-A.
Other names: c.294A>T, p.Glu98Asp (NM_001363260.1); short protein forms E98D.
Identifiers: ClinVar variation 1042377 (VCV001042377.8), dbSNP rs1811868852, ClinGen allele CA371837390.
Genomic context (GRCh38, chr8:95,260,482, plus strand): 5'-GTTTGCTCAATAGTGTGTATAATTCACCAAAGCAATCTCAACTTACCTTTTACCAAGGCC[T>A]TCAATGGAAGCTCTGACAGATGTGTTACCTGAAGATTTAGATTTTAATTTCTGTTAAAAA-3'
Protein context (NP_808880.1, residues 88-108): SGNTSVRASI[Glu98Asp]GLGKSCSPVY